The following is an entry in ClinVar:

NM_012208.4(HARS2):c.449G>A (p.Arg150His)

Gene: HARS2 (histidyl-tRNA synthetase 2, mitochondrial; plus strand). Cytogenetic location: 5q31.3.
Variant type: single nucleotide variant.
Coding change: c.449G>A on transcript NM_012208.4 (MANE Select); coding-DNA position 449, G replaced by A.
Protein change: p.Arg150His; replaces arginine 150 with histidine.
Molecular consequence: missense variant. On other transcripts: intron variant (1).
Genome position (GRCh38, 1-based): chr5:140,695,557, G>A. VCF-style: chr5-140695557-G-A. GRCh37 (hg19) VCF-style: chr5-140075142-G-A.
Other names: c.374G>A, p.Arg125His (NM_001278731.2); c.467G>A, p.Arg156His (NM_001363535.2); c.239G>A, p.Arg80His (NM_001363536.2); c.94-181G>A (NM_001278732.2); short protein forms R125H, R150H, R156H, R80H.
Identifiers: ClinVar variation 3617110 (VCV003617110.2).
Genomic context (GRCh38, chr5:140,695,557, plus strand): 5'-ATTTATGTGAGGTTCCCTTTGCTCGTTATCTGGCCATGAATAAGGTGAAGAAGATGAAAC[G>A]TTATCATGTTGGAAAGGTGTGGCGGCGAGAGAGCCCAACCATAGTCCAAGGCCGTTATAG-3'
Protein context (NP_036340.1, residues 140-160): LAMNKVKKMK[Arg150His]YHVGKVWRRE

ClinVar aggregate classification (germline): Uncertain significance (1 of 4 stars; one submission).

gnomAD v4.1: 55 of 1,614,020 alleles (0.0034%); highest among the groups gnomAD compares: Non-Finnish European, 0.0042%; no homozygotes.

Submission:

Labcorp Genetics (formerly Invitae), Labcorp
Classification: Uncertain significance. Last evaluated: 2024-08-30. Review status: criteria provided, single submitter. Criteria: Invitae Variant Classification Sherloc (09022015). Collection method: clinical testing. Allele origin: germline.
Comment: This sequence change replaces arginine, which is basic and polar, with histidine, which is basic and polar, at codon 150 of the HARS2 protein (p.Arg150His). This variant is present in population databases (rs754367751, gnomAD 0.009%). This variant has not been reported in the literature in individuals affected with HARS2-related conditions. Invitae Evidence Modeling of protein sequence and biophysical properties (such as structural, functional, and spatial information, amino acid conservation, physicochemical variation, residue mobility, and thermodynamic stability) indicates that this missense variant is expected to disrupt HARS2 protein function with a positive predictive value of 80%. This variant disrupts the p.Arg150 amino acid residue in HARS2. Other variant(s) that disrupt this residue have been determined to be pathogenic (PMID: 31449985). This suggests that this residue is clinically significant, and that variants that disrupt this residue are likely to be disease-causing. In summary, the available evidence is currently insufficient to determine the role of this variant in disease. Therefore, it has been classified as a Variant of Uncertain Significance.

Literature cited by the submitters: PubMed 31449985.